The following is an entry in ClinVar:

ClinVar aggregate classification (germline): Uncertain significance. Review status: criteria provided, multiple submitters, no conflicts (2 of 4 stars). 7 submissions from 7 submitters: Uncertain significance (6). 1 of the submissions does not count toward it. Last evaluated 2025-12-28.

Conditions:
Hereditary cancer-predisposing syndrome. Also called: Hereditary Cancer Syndrome; Neoplastic Syndromes, Hereditary; Tumor predisposition; Hereditary neoplastic syndrome. Identifiers: Orphanet 140162, MedGen C0027672, MeSH D009386, MONDO:0015356.
Ataxia-telangiectasia syndrome (AT). Also called: Ataxia telangiectasia (A-T); Ataxia-telangiectasia, complementation group E; LOUIS-BAR SYNDROME; Cerebello-oculocutaneous telangiectasia; Immunodeficiency with ataxia telangiectasia; Ataxia-telangiectasia, complementation group D. Identifiers: Orphanet 100, MedGen C0004135, MONDO:0008840, OMIM 208900.
Familial cancer of breast. Also called: Hereditary breast cancer; hereditary breast carcinoma; BREAST CANCER, FAMILIAL. Identifiers: Orphanet 227535, MedGen C0346153, MONDO:0016419, OMIM 114480. Disease mechanism: loss of function.

Allele frequency attached by ClinVar (database versions not stated): gnomAD exomes below 0.00001 and 0.00002; gnomAD 0.00001; TOPMed 0.00001.
gnomAD v4.1: 27 of 1,613,646 alleles (0.0017%); highest among the groups gnomAD compares: Non-Finnish European, 0.0023%; no homozygotes.

Submissions (7):

Labcorp Genetics (formerly Invitae), Labcorp
Classification: Uncertain significance for Ataxia-telangiectasia syndrome. Last evaluated: 2025-12-28. Review status: criteria provided, single submitter. Criteria: Invitae Variant Classification Sherloc (09022015). Collection method: clinical testing. Allele origin: germline.
Comment: This sequence change replaces aspartic acid, which is acidic and polar, with asparagine, which is neutral and polar, at codon 351 of the ATM protein (p.Asp351Asn). This variant is present in population databases (no rsID available, gnomAD 0.0009%). This variant has not been reported in the literature in individuals affected with ATM-related conditions. ClinVar contains an entry for this variant (Variation ID: 231324). Invitae Evidence Modeling of protein sequence and biophysical properties (such as structural, functional, and spatial information, amino acid conservation, physicochemical variation, residue mobility, and thermodynamic stability) indicates that this missense variant is not expected to disrupt ATM protein function with a negative predictive value of 95%. In summary, the available evidence is currently insufficient to determine the role of this variant in disease. Therefore, it has been classified as a Variant of Uncertain Significance.

Quest Diagnostics Nichols Institute San Juan Capistrano
Classification: Uncertain significance. Last evaluated: 2025-10-18. Review status: criteria provided, single submitter. Criteria: Quest Diagnostics criteria. Collection method: clinical testing. Allele origin: unknown.

Ambry Genetics
Classification: Uncertain significance for Hereditary cancer-predisposing syndrome. Last evaluated: 2025-07-23. Review status: criteria provided, single submitter. Criteria: Ambry Variant Classification Scheme 2023. Collection method: clinical testing. Allele origin: germline.
Comment: The p.D351N variant (also known as c.1051G>A), located in coding exon 7 of the ATM gene, results from a G to A substitution at nucleotide position 1051. The aspartic acid at codon 351 is replaced by asparagine, an amino acid with highly similar properties. This amino acid position is highly conserved in available vertebrate species. In addition, this alteration is predicted to be tolerated by in silico analysis. Based on the available evidence, the clinical significance of this variant remains unclear.

Color Diagnostics, LLC DBA Color Health
Classification: Uncertain significance for Hereditary cancer-predisposing syndrome. Last evaluated: 2025-03-04. Review status: criteria provided, single submitter. Criteria: ACMG Guidelines, 2015. Collection method: clinical testing. Allele origin: germline.
Comment: This missense variant replaces aspartic acid with asparagine at codon 351 of the ATM protein. Computational prediction suggests that this variant may not impact protein structure and function. To our knowledge, functional studies have not been reported for this variant. This variant has been reported in two individuals affected with breast cancer (PMID: 28779002). This variant has been identified in 1/251144 chromosomes in the general population by the Genome Aggregation Database (gnomAD). The available evidence is insufficient to determine the role of this variant in disease conclusively. Therefore, this variant is classified as a Variant of Uncertain Significance.

GeneDx
Classification: Uncertain significance. Last evaluated: 2024-03-12. Review status: criteria provided, single submitter. Criteria: GeneDx Variant Classification Process June 2021. Collection method: clinical testing. Allele origin: germline. Affected: yes.
Comment: Not observed at significant frequency in large population cohorts (gnomAD); In silico analysis supports that this missense variant has a deleterious effect on protein structure/function; Observed in individuals with breast cancer (PMID: 28779002); This variant is associated with the following publications: (PMID: 28779002)

Fulgent Genetics
Classification: Uncertain significance for Familial cancer of breast; Ataxia-telangiectasia syndrome. Last evaluated: 2022-03-16. Review status: criteria provided, single submitter. Criteria: ACMG Guidelines, 2015. Collection method: clinical testing. Allele origin: unknown.

Natera, Inc.
Classification: Uncertain significance for Ataxia-telangiectasia. Last evaluated: 2021-04-29. Review status: no assertion criteria provided. Collection method: clinical testing. Allele origin: germline. Not counted in ClinVar's aggregate classification.

Literature cited by the submitters: PubMed 28779002 (cited by Ambry Genetics and Color Diagnostics, LLC DBA Color Health).

NM_000051.4(ATM):c.1051G>A (p.Asp351Asn)

Gene: ATM (ATM serine/threonine kinase; plus strand). Cytogenetic location: 11q22.3.
Variant type: single nucleotide variant.
Coding change: c.1051G>A on transcript NM_000051.4 (MANE Select); coding-DNA position 1051, G replaced by A.
Protein change: p.Asp351Asn; replaces aspartic acid 351 with asparagine.
Molecular consequence: missense variant.
Genome position (GRCh38, 1-based): chr11:108,247,113, G>A. VCF-style: chr11-108247113-G-A. GRCh37 (hg19) VCF-style: chr11-108117840-G-A.
Other names: c.1051G>A, p.Asp351Asn (NM_001351834.2); short protein forms D351N.
Identifiers: ClinVar variation 231324 (VCV000231324.31), dbSNP rs876659092, ClinGen allele CA10578991.